The following is an entry in ClinVar:

ClinVar aggregate classification (germline): Pathogenic/Likely pathogenic. Review status: criteria provided, multiple submitters, no conflicts (2 of 4 stars). 9 submissions from 9 submitters: Pathogenic (3); Likely pathogenic (5). 1 of the submissions does not count toward it. Last evaluated 2026-08-06.

Conditions:
Congenital myotonia, autosomal recessive form. Also called: Becker Generalized Myotonia; BECKER DISEASE; myotonia congenita, autosomal recessive. Identifiers: Orphanet 614, MedGen C0751360, MONDO:0009715, OMIM 255700.
Congenital myotonia, autosomal dominant form (THD). Also called: THOMSEN DISEASE; Myotonia congenita autosomal dominant. Identifiers: Orphanet 614, MedGen C2936781, MONDO:0008055, OMIM 160800.

Allele frequency attached by ClinVar (database versions not stated): gnomAD exomes 0.00002; ExAC 0.00003; TOPMed 0.00003; gnomAD 0.00004.
gnomAD v4.1: 35 of 1,614,008 alleles (0.0022%); highest among the groups gnomAD compares: African/African-American, 0.004%; no homozygotes.

Submissions (9):

OLLIN Analises Genomicas, OLLIN
Classification: Likely pathogenic for Congenital myotonia, autosomal dominant form. Last evaluated: 2026-08-06. Review status: criteria provided, single submitter. Criteria: ACMG Guidelines 2015 PMID 25741868. Collection method: clinical testing. Allele origin: germline. Inheritance: Autosomal dominant inheritance.
Comment: This missense variant, located in exon 22 (of 23), has been reported in ClinVar (accession VCV000582345.15), in gnomAD with an allele frequency of 0.0022%, and in the scientific literature, segregating with the phenotype and in compound heterozygosity, in individuals with CLCN1 related disorders (PMID: 29935101, 32117024). Functional studies suggest that this variant may affect protein function, and in silico analysis predicts a deleterious effect (PMID: 29935101). According to the currently available evidence, this variant has been classified as likely pathogenic (PS3_P, PM2_P, PM3_S, PP1, PP3_M).

Labcorp Genetics (formerly Invitae), Labcorp
Classification: Pathogenic for Congenital myotonia, autosomal recessive form; Congenital myotonia, autosomal dominant form. Last evaluated: 2025-08-12. Review status: criteria provided, single submitter. Criteria: Invitae Variant Classification Sherloc (09022015). Collection method: clinical testing. Allele origin: germline.
Comment: This sequence change replaces valine, which is neutral and non-polar, with methionine, which is neutral and non-polar, at codon 851 of the CLCN1 protein (p.Val851Met). This variant is present in population databases (rs749205522, gnomAD 0.01%). This missense change has been observed in individual(s) with autosomal recessive myotonia congenita (PMID: 22094069, 23739125, 29935101, 32117024). In at least one individual the data is consistent with being in trans (on the opposite chromosome) from a pathogenic variant. This variant has been reported in individual(s) with autosomal dominant myotonia congenita (PMID: 29935101, 32117024); however, the role of the variant in this condition is currently unclear. ClinVar contains an entry for this variant (Variation ID: 582345). Invitae Evidence Modeling of protein sequence and biophysical properties (such as structural, functional, and spatial information, amino acid conservation, physicochemical variation, residue mobility, and thermodynamic stability) has been performed for this missense variant. However, the output from this modeling did not meet the statistical confidence thresholds required to predict the impact of this variant on CLCN1 protein function. Experimental studies have shown that this missense change affects CLCN1 function (PMID: 29935101). For these reasons, this variant has been classified as Pathogenic.

GeneDx
Classification: Pathogenic. Last evaluated: 2024-10-31. Review status: criteria provided, single submitter. Criteria: GeneDx Variant Classification Process June 2021. Collection method: clinical testing. Allele origin: germline. Affected: yes.
Comment: Reported previously in an individual with myotonia who had a second CLCN1 variant; however, phase was unknown (PMID: 23739125); Reported previously in cis with the H29P variant in an individual with moderate myotonia (Thomsen disease); Published functional studies demonstrate that the variant produces a non-functional channel but does not result in a dominant negative effect when co-expressed with the wild type allele (PMID: 29935101); In silico analysis supports that this missense variant has a deleterious effect on protein structure/function; Not observed at significant frequency in large population cohorts (gnomAD); This variant is associated with the following publications: (PMID: 29935101, 32117024, 22094069, 32660787, 34529042, 37355912, 23739125)

Kariminejad - Najmabadi Pathology & Genetics Center
Classification: Pathogenic for Congenital myotonia, autosomal recessive form. Last evaluated: 2023-12-20. Review status: criteria provided, single submitter. Criteria: ACMG Guidelines, 2015. Collection method: clinical testing. Allele origin: germline. Inheritance: Autosomal recessive inheritance. Affected: yes.
Comment: PM2 PP3 PM3

Mayo Clinic Laboratories, Mayo Clinic
Classification: Likely pathogenic. Last evaluated: 2023-12-06. Review status: criteria provided, single submitter. Criteria: ACMG Guidelines, 2015. Collection method: clinical testing. Allele origin: germline. Observed: 1 variant allele.
Comment: PP2, PP3, PS3

Dasa
Classification: Likely pathogenic for Congenital myotonia, autosomal dominant form. Last evaluated: 2022-02-05. Review status: criteria provided, single submitter. Criteria: ACMG Guidelines, 2015. Collection method: clinical testing. Allele origin: germline. Affected: yes. Observed: 1 variant allele.
Comment: The c.2551G>A;p.(Val851Met) missense variant has been observed in affected individual(s) and ClinVar contains an entry for this variant (ClinVar ID: 582345; PMID: 32117024; 29935101; 22094069; 23739125; 29935101) - PS4. The variant is present at low allele frequencies population databases (rs749205522 – gnomAD 0.0003944%; ABraOM no frequency) - PM2_supporting. The variant co-segregated with disease in multiple affected family members (PMID: 32117024) - PP1. Multiple lines of computational evidence support a deleterious effect on the gene or gene product - PP3. The variant was observed in trans with a pathogenic variant for a fully penetrant dominant gene/disorder or observed in cis with a pathogenic variant in any inheritance pattern (PMID: 32117024) BP2. In summary, the currently available evidence indicates that the variant is likely pathogenic.

Athena Diagnostics
Classification: Likely pathogenic. Last evaluated: 2019-09-27. Review status: criteria provided, single submitter. Criteria: Athena Diagnostics Criteria. Collection method: clinical testing. Allele origin: unknown.
Comment: The frequency of this variant in the general population is consistent with pathogenicity. Found in at least one patient with expected phenotype for this gene. Predicted to have a damaging effect on the protein. Assessment of experimental evidence suggests this variant results in abnormal protein function.

Clinical Genetics Service, Universitary Hospital 12 de Octubre
Classification: Likely pathogenic for Congenital myotonia, autosomal recessive form. Review status: criteria provided, single submitter. Criteria: ACMG Guidelines, 2015. Collection method: clinical testing. Allele origin: germline. Affected: yes.

Department of Pathology and Laboratory Medicine, Sinai Health System
Classification: Uncertain significance for myotonia congenita, autosomal dominant. Last evaluated: 2023-01-03. Review status: flagged submission. Criteria: ACMG Guidelines, 2015. Collection method: research. Allele origin: germline. Not counted in ClinVar's aggregate classification.
ClinVar note: Reason: Outlier claim with insufficient supporting evidence

Literature cited by the submitters: PubMed 29935101 (cited by 5 submitters); PubMed 32117024 (cited by 4 submitters); PubMed 22094069 (cited by 4 submitters); PubMed 23739125 (cited by 4 submitters); PubMed 32660787 (cited by Mayo Clinic Laboratories, Mayo Clinic); PubMed 34529042 (cited by Mayo Clinic Laboratories, Mayo Clinic); PubMed 37355912 (cited by Mayo Clinic Laboratories, Mayo Clinic).

NM_000083.3(CLCN1):c.2551G>A (p.Val851Met)

Gene: CLCN1 (chloride voltage-gated channel 1; plus strand). Cytogenetic location: 7q34.
Variant type: single nucleotide variant.
Coding change: c.2551G>A on transcript NM_000083.3 (MANE Select); coding-DNA position 2551, G replaced by A.
Protein change: p.Val851Met; replaces valine 851 with methionine.
Molecular consequence: missense variant. On other transcripts: non-coding transcript variant (1).
Genome position (GRCh38, 1-based): chr7:143,350,610, G>A. VCF-style: chr7-143350610-G-A. GRCh37 (hg19) VCF-style: chr7-143047703-G-A.
Other names: p.Val851Met; short protein forms V851M.
Identifiers: ClinVar variation 582345 (VCV000582345.17), dbSNP rs749205522, ClinGen allele CA4537731.